The following is an entry in ClinVar:

NM_017802.4(DNAAF5):c.2069T>C (p.Leu690Pro)

Gene: DNAAF5 (dynein axonemal assembly factor 5; plus strand). Cytogenetic location: 7p22.3.
Variant type: single nucleotide variant.
Coding change: c.2069T>C on transcript NM_017802.4 (MANE Select); coding-DNA position 2069, T replaced by C.
Protein change: p.Leu690Pro; replaces leucine 690 with proline.
Molecular consequence: missense variant. On other transcripts: non-coding transcript variant (1).
Genome position (GRCh38, 1-based): chr7:774,185, T>C. VCF-style: chr7-774185-T-C. GRCh37 (hg19) VCF-style: chr7-813822-T-C.
Other names: c.2069T>C (NM_017802.3); short protein forms L690P.
Identifiers: ClinVar variation 1432749 (VCV001432749.5), dbSNP rs761120794, ClinGen allele CA4111053.

ClinVar aggregate classification (germline): Uncertain significance. Review status: criteria provided, multiple submitters, no conflicts (2 of 4 stars). 2 submissions from 2 submitters: Uncertain significance (2). Last evaluated 2025-08-24.

Conditions:
Primary ciliary dyskinesia. Also called: Ciliary dyskinesia. Identifiers: Orphanet 244, MedGen C0008780, MONDO:0016575, HP:0012265.

Allele frequency attached by ClinVar (database versions not stated): gnomAD exomes below 0.00001; ExAC 0.00001; gnomAD 0.00001.
gnomAD v4.1: 8 of 1,608,584 alleles (0.0005%); highest among the groups gnomAD compares: South Asian, 0.0011%; no homozygotes.

Submissions (2):

Ambry Genetics
Classification: Uncertain significance for Primary ciliary dyskinesia. Last evaluated: 2025-08-24. Review status: criteria provided, single submitter. Criteria: Ambry Variant Classification Scheme 2023. Collection method: clinical testing. Allele origin: germline.

Labcorp Genetics (formerly Invitae), Labcorp
Classification: Uncertain significance for Primary ciliary dyskinesia. Last evaluated: 2022-12-06. Review status: criteria provided, single submitter. Criteria: Invitae Variant Classification Sherloc (09022015). Collection method: clinical testing. Allele origin: germline.
Comment: In summary, the available evidence is currently insufficient to determine the role of this variant in disease. Therefore, it has been classified as a Variant of Uncertain Significance. Advanced modeling of protein sequence and biophysical properties (such as structural, functional, and spatial information, amino acid conservation, physicochemical variation, residue mobility, and thermodynamic stability) performed at Invitae indicates that this missense variant is not expected to disrupt DNAAF5 protein function. ClinVar contains an entry for this variant (Variation ID: 1432749). This variant has not been reported in the literature in individuals affected with DNAAF5-related conditions. This variant is present in population databases (rs761120794, gnomAD 0.0009%). This sequence change replaces leucine, which is neutral and non-polar, with proline, which is neutral and non-polar, at codon 690 of the DNAAF5 protein (p.Leu690Pro).